The following is an entry in ClinVar:

NM_005045.4(RELN):c.3287A>G (p.Gln1096Arg)

Gene: RELN (reelin; minus strand). Cytogenetic location: 7q22.1.
Variant type: single nucleotide variant.
Coding change: c.3287A>G on transcript NM_005045.4 (MANE Select); coding-DNA position 3287, A replaced by G.
Protein change: p.Gln1096Arg; replaces glutamine 1096 with arginine.
Molecular consequence: missense variant.
Genome position (GRCh38, 1-based): chr7:103,603,350, T>C on the plus strand (A>G on the coding strand, the complement: RELN is on the minus strand). VCF-style: chr7-103603350-T-C. GRCh37 (hg19) VCF-style: chr7-103243797-T-C.
Other names: c.3287A>G, p.Gln1096Arg (NM_173054.3); short protein forms Q1096R.
Identifiers: ClinVar variation 586402 (VCV000586402.9), dbSNP rs780325204, ClinGen allele CA4421803.

ClinVar aggregate classification (germline): Conflicting classifications of pathogenicity. Review status: criteria provided, conflicting classifications (1 of 4 stars). 4 submissions from 4 submitters: Uncertain significance (3); Likely benign (1). Last evaluated 2024-10-07.

Conditions:
Inborn genetic diseases. Identifiers: MedGen C0950123, MeSH D030342.
Norman-Roberts syndrome (LIS2). Also called: Lissencephaly 2 (Norman-Roberts type). Identifiers: Orphanet 89844, MedGen C0796089, MONDO:0009760, OMIM 257320.
Familial temporal lobe epilepsy 7. Identifiers: Orphanet 101046, MedGen C4225327, MONDO:0014639, OMIM 616436.

Allele frequency attached by ClinVar (database versions not stated): gnomAD exomes 0.00001 and 0.00002; ExAC 0.00002; TOPMed 0.00003.
gnomAD v4.1: 18 of 1,613,888 alleles (0.0011%); highest among the groups gnomAD compares: Admixed American, 0.0067%; no homozygotes.

Submissions (4):

Labcorp Genetics (formerly Invitae), Labcorp
Classification: Likely benign for Familial temporal lobe epilepsy 7; Norman-Roberts syndrome. Last evaluated: 2024-10-07. Review status: criteria provided, single submitter. Criteria: Invitae Variant Classification Sherloc (09022015). Collection method: clinical testing. Allele origin: germline.

Ambry Genetics
Classification: Uncertain significance for Inborn genetic diseases. Last evaluated: 2021-02-12. Review status: criteria provided, single submitter. Criteria: Ambry Variant Classification Scheme 2023. Collection method: clinical testing. Allele origin: germline.
Comment: The c.3287A>G (p.Q1096R) alteration is located in exon 24 (coding exon 24) of the RELN gene. This alteration results from a A to G substitution at nucleotide position 3287, causing the glutamine (Q) at amino acid position 1096 to be replaced by an arginine (R). The p.Q1096R alteration is predicted to be tolerated by in silico analysis. Based on insufficient or conflicting evidence, the clinical significance of this alteration remains unclear.

Athena Diagnostics
Classification: Uncertain significance. Last evaluated: 2018-06-28. Review status: criteria provided, single submitter. Criteria: Athena Diagnostics Criteria. Collection method: clinical testing. Allele origin: germline.

Women's Health and Genetics/Laboratory Corporation of America, LabCorp
Classification: Uncertain significance. Last evaluated: 2018-06-07. Review status: criteria provided, single submitter. Criteria: LabCorp Variant Classification Summary - May 2015. Collection method: clinical testing. Allele origin: germline.
Comment: Variant summary: RELN c.3287A>G (p.Gln1096Arg) results in a conservative amino acid change in the encoded protein sequence. Five of five in-silico tools predict a benign effect of the variant on protein function. The variant allele was found at a frequency of 2e-05 in 246030 control chromosomes. The available data on variant occurrences in the general population are insufficient to allow any conclusion about variant significance. To our knowledge, no occurrence of c.3287A>G in individuals affected with Autosomal dominant partial epilepsy with auditory features and no experimental evidence demonstrating its impact on protein function have been reported. No clinical diagnostic laboratories have submitted clinical-significance assessments for this variant to ClinVar after 2014. Based on the evidence outlined above, the variant was classified as uncertain significance.